The following is an entry in ClinVar:

ClinVar aggregate classification (germline): Conflicting classifications of pathogenicity. Review status: criteria provided, conflicting classifications (1 of 4 stars). 4 submissions from 4 submitters: Uncertain significance (1); Benign (1); Likely benign (2). Last evaluated 2026-05-14.

Conditions:
Hereditary diffuse gastric adenocarcinoma (HDGC). Also called: DIFFUSE GASTRIC AND LOBULAR BREAST CANCER SYNDROME. Identifiers: Orphanet 26106, MedGen C1708349, MONDO:0007648, OMIM 137215.
Hereditary cancer-predisposing syndrome. Also called: Tumor predisposition; Hereditary Cancer Syndrome; Neoplastic Syndromes, Hereditary; Hereditary neoplastic syndrome. Identifiers: Orphanet 140162, MedGen C0027672, MeSH D009386, MONDO:0015356.

Allele frequency attached by ClinVar (database versions not stated): gnomAD exomes 0.00001.
gnomAD v4.1: 4 of 1,613,072 alleles (0.00025%); highest among the groups gnomAD compares: Admixed American, 0.0033%; no homozygotes.

Submissions (4):

Ambry Genetics
Classification: Likely benign for Hereditary cancer-predisposing syndrome. Last evaluated: 2026-05-14. Review status: criteria provided, single submitter. Criteria: Ambry Variant Classification Scheme 2023. Collection method: clinical testing. Allele origin: germline.

Labcorp Genetics (formerly Invitae), Labcorp
Classification: Uncertain significance for Hereditary diffuse gastric adenocarcinoma. Last evaluated: 2025-12-08. Review status: criteria provided, single submitter. Criteria: Invitae Variant Classification Sherloc (09022015). Collection method: clinical testing. Allele origin: germline.
Comment: This sequence change affects codon 126 of the CDH1 mRNA. It is a 'silent' change, meaning that it does not change the encoded amino acid sequence of the CDH1 protein. This variant is present in population databases (no rsID available, gnomAD 0.006%). This variant has not been reported in the literature in individuals affected with CDH1-related conditions. ClinVar contains an entry for this variant (Variation ID: 574805). Algorithms developed to predict the effect of sequence changes on RNA splicing suggest that this variant is not likely to affect RNA splicing. In summary, the available evidence is currently insufficient to determine the role of this variant in disease. Therefore, it has been classified as a Variant of Uncertain Significance.

Myriad Genetics, Inc.
Classification: Benign for Hereditary diffuse gastric adenocarcinoma. Last evaluated: 2024-09-12. Review status: criteria provided, single submitter. Criteria: Myriad Autosomal Dominant, Autosomal Recessive and X-Linked Classification Criteria (2023). Collection method: clinical testing. Allele origin: unknown.
Comment: This variant is considered benign. This variant is a silent/synonymous amino acid change and it is not expected to impact splicing.

Color Diagnostics, LLC DBA Color Health
Classification: Likely benign for Hereditary cancer-predisposing syndrome. Last evaluated: 2021-11-01. Review status: criteria provided, single submitter. Criteria: ACMG Guidelines, 2015. Collection method: clinical testing. Allele origin: germline.

NM_004360.5(CDH1):c.378G>T (p.Pro126=)

Gene: CDH1 (cadherin 1; plus strand). Cytogenetic location: 16q22.1.
Variant type: single nucleotide variant.
Coding change: c.378G>T on transcript NM_004360.5 (MANE Select); coding-DNA position 378, G replaced by T.
Protein change: p.Pro126=; no amino-acid change (proline 126 retained).
Molecular consequence: synonymous variant. On other transcripts: 5 prime UTR variant (2).
Genome position (GRCh38, 1-based): chr16:68,801,884, G>T. VCF-style: chr16-68801884-G-T. GRCh37 (hg19) VCF-style: chr16-68835787-G-T.
Other names: c.378G>T (LRG_301t1); c.378G>T, p.Pro126= (NM_001317184.2); c.-1238G>T (NM_001317185.2); c.-1442G>T (NM_001317186.2).
Identifiers: ClinVar variation 574805 (VCV000574805.13), dbSNP rs786201504, ClinGen allele CA496152712.